The following is an entry in ClinVar:

ClinVar aggregate classification (germline): Uncertain significance. Review status: criteria provided, multiple submitters, no conflicts (2 of 4 stars). 2 submissions from 2 submitters: Uncertain significance (2). Last evaluated 2023-09-25.

Allele frequency attached by ClinVar (database versions not stated): ExAC 0.00001; gnomAD exomes 0.00001 and 0.00003; TOPMed 0.00001.
gnomAD v4.1: 21 of 1,613,766 alleles (0.0013%); highest among the groups gnomAD compares: South Asian, 0.022%; no homozygotes.

Submissions (2):

Revvity Omics, Revvity
Classification: Uncertain significance. Last evaluated: 2023-09-25. Review status: criteria provided, single submitter. Criteria: ACMG Guidelines, 2015. Collection method: clinical testing. Allele origin: germline.

GeneDx
Classification: Uncertain significance. Last evaluated: 2014-01-02. Review status: criteria provided, single submitter. Criteria: GeneDx Variant Classification (06012015). Collection method: clinical testing. Allele origin: germline. Affected: yes.
Comment: Missense variants in the TTN gene are considered 'unclassified' if they are not previously reported in the literature and do not have >1% frequency in the population to be considered a polymorphism. Research indicates that truncating mutations in the TTN gene are expected to account for approximately 25% of familial and 18% of sporadic idiopathic DCM; however, truncating variants in the TTN gene have been reported in approximately 3% of reported control alleles. There has been little investigation into non-truncating variants. (Herman D et al. Truncations of titin causing dilated cardiomyopathy. N Eng J Med 366:619-628, 2012) The variant is found in CARDIOMYOPATHY panel(s).

NM_001267550.2(TTN):c.94295C>T (p.Pro31432Leu)

Genes: TTN (titin; minus strand), TTN-AS1 (TTN antisense RNA 1; plus strand). Cytogenetic location: 2q31.2.
Variant type: single nucleotide variant.
Coding change: c.94295C>T on transcript NM_001267550.2 (MANE Select); coding-DNA position 94295, C replaced by T.
Protein change: p.Pro31432Leu; replaces proline 31432 with leucine.
Molecular consequence: missense variant.
Genome position (GRCh38, 1-based): chr2:178,547,230, G>A on the plus strand (C>T on the coding strand, the complement: TTN is on the minus strand). VCF-style: chr2-178547230-G-A. GRCh37 (hg19) VCF-style: chr2-179411957-G-A.
Other names: p.P29791L:CCC>CTC; c.89372C>T, p.Pro29791Leu (NM_001256850.1); c.67100C>T, p.Pro22367Leu (NM_003319.4); c.86591C>T, p.Pro28864Leu (NM_133378.4); c.67475C>T, p.Pro22492Leu (NM_133432.3); c.67676C>T, p.Pro22559Leu (NM_133437.4); short protein forms P29791L, P31432L, P22492L, P22559L, P28864L, P22367L.
Identifiers: ClinVar variation 203003 (VCV000203003.3), dbSNP rs759415579, ClinGen allele CA310947.